The following is an entry in ClinVar:

NM_004385.5(VCAN):c.1291A>G (p.Lys431Glu)

Gene: VCAN (versican; plus strand). Cytogenetic location: 5q14.3.
Variant type: single nucleotide variant.
Coding change: c.1291A>G on transcript NM_004385.5 (MANE Select); coding-DNA position 1291, A replaced by G.
Protein change: p.Lys431Glu; replaces lysine 431 with glutamic acid.
Molecular consequence: missense variant. On other transcripts: intron variant (2).
Genome position (GRCh38, 1-based): chr5:83,519,597, A>G. VCF-style: chr5-83519597-A-G. GRCh37 (hg19) VCF-style: chr5-82815416-A-G.
Other names: c.1291A>G, p.Lys431Glu (NM_001164098.2); c.1042+7201A>G (NM_001164097.2, NM_001126336.3); short protein forms K431E.
Identifiers: ClinVar variation 1952945 (VCV001952945.7), dbSNP rs773983621, ClinGen allele CA3332643.
Genomic context (GRCh38, chr5:83,519,597, plus strand): 5'-CAACCTCAGGCTATCACAGATAGTTTAGCCACCAAATTACCCACACCTACTGGCAGTACC[A>G]AGAAGCCCTGGGATATGGATGACTACTCACCTTCTGCTTCAGGACCTCTTGGAAAGCTAG-3'
Protein context (NP_004376.2, residues 421-441): TKLPTPTGST[Lys431Glu]KPWDMDDYSP

ClinVar aggregate classification (germline): Conflicting classifications of pathogenicity. Review status: criteria provided, conflicting classifications (1 of 4 stars). 3 submissions from 3 submitters: Uncertain significance (2); Likely benign (1). Last evaluated 2022-07-30.

Conditions:
Inborn genetic diseases. Identifiers: MedGen C0950123, MeSH D030342.

Allele frequency attached by ClinVar (database versions not stated): gnomAD exomes below 0.00001; ExAC 0.00001; gnomAD 0.00001; TOPMed 0.00002.

Submissions (3):

Labcorp Genetics (formerly Invitae), Labcorp
Classification: Uncertain significance. Last evaluated: 2022-07-30. Review status: criteria provided, single submitter. Criteria: Invitae Variant Classification Sherloc (09022015). Collection method: clinical testing. Allele origin: germline.
Comment: Algorithms developed to predict the effect of missense changes on protein structure and function output the following: SIFT: "Tolerated"; PolyPhen-2: "Benign"; Align-GVGD: "Class C0". The glutamic acid amino acid residue is found in multiple mammalian species, which suggests that this missense change does not adversely affect protein function. In summary, the available evidence is currently insufficient to determine the role of this variant in disease. Therefore, it has been classified as a Variant of Uncertain Significance. This variant has not been reported in the literature in individuals affected with VCAN-related conditions. This variant is present in population databases (rs773983621, gnomAD 0.0009%). This sequence change replaces lysine, which is basic and polar, with glutamic acid, which is acidic and polar, at codon 431 of the VCAN protein (p.Lys431Glu).

Ambry Genetics
Classification: Uncertain significance for Inborn genetic diseases. Last evaluated: 2022-03-23. Review status: criteria provided, single submitter. Criteria: Ambry Variant Classification Scheme 2023. Collection method: clinical testing. Allele origin: germline.

Blueprint Genetics
Classification: Likely benign. Last evaluated: 2020-06-25. Review status: criteria provided, single submitter. Criteria: ACMG Guidelines, 2015. Collection method: clinical testing. Allele origin: germline.